The following is an entry in ClinVar:

ClinVar aggregate classification (germline): Pathogenic. Review status: criteria provided, multiple submitters, no conflicts (2 of 4 stars). 3 submissions from 3 submitters: Pathogenic (3). Last evaluated 2023-07-07.

Conditions:
Neurofibromatosis, type 1 (NF1). Also called: NEUROFIBROMATOSIS, TYPE I, SOMATIC; Peripheral type neurofibromatosis; VON RECKLINGHAUSEN DISEASE; Neurofibromatosis, type I. Identifiers: Orphanet 636, MedGen C0027831, MONDO:0018975, OMIM 162200. Disease mechanism: loss of function.
Hereditary cancer-predisposing syndrome. Also called: Tumor predisposition; Hereditary neoplastic syndrome; Neoplastic Syndromes, Hereditary; Hereditary Cancer Syndrome. Identifiers: Orphanet 140162, MedGen C0027672, MeSH D009386, MONDO:0015356.
Cardiovascular phenotype. Identifiers: MedGen CN230736.

Submissions (4):

Labcorp Genetics (formerly Invitae), Labcorp
Classification: Pathogenic for Neurofibromatosis, type 1. Last evaluated: 2023-07-07. Review status: criteria provided, single submitter. Criteria: Invitae Variant Classification Sherloc (09022015). Collection method: clinical testing. Allele origin: germline.
Comment: This sequence change creates a premature translational stop signal (p.Tyr628*) in the NF1 gene. It is expected to result in an absent or disrupted protein product. Loss-of-function variants in NF1 are known to be pathogenic (PMID: 10712197, 23913538). This variant is not present in population databases (gnomAD no frequency). This variant has not been reported in the literature in individuals affected with NF1-related conditions. ClinVar contains an entry for this variant (Variation ID: 457554). Algorithms developed to predict the effect of sequence changes on RNA splicing suggest that this variant may disrupt the consensus splice site. For these reasons, this variant has been classified as Pathogenic.

Genome-Nilou Lab
Classification: Pathogenic for Neurofibromatosis, type 1. Last evaluated: 2022-03-15. Review status: criteria provided, single submitter. Criteria: ACMG Guidelines, 2015. Collection method: clinical testing. Allele origin: germline. Affected: no.

Ambry Genetics
Classification: Pathogenic for Cardiovascular phenotype; Hereditary cancer-predisposing syndrome. Last evaluated: 2019-06-03. Review status: criteria provided, single submitter. Criteria: Ambry Variant Classification Scheme 2023. Collection method: clinical testing. Allele origin: germline.
Comment: The p.Y628* pathogenic mutation (also known as c.1884C>A), located in coding exon 17 of the NF1 gene, results from a C to A substitution at nucleotide position 1884. This changes the amino acid from a tyrosine to a stop codon within coding exon 17. This alteration is expected to result in loss of function by premature protein truncation or nonsense-mediated mRNA decay. As such, this alteration is interpreted as a disease-causing mutation.

Dr. Peter K. Rogan Lab, Western University
No classification provided (evidence only). Condition: Gastric cancer. Review status: no classification provided. Collection method: in vitro. Allele origin: not applicable. Functional consequence: retained intron. Not counted in ClinVar's aggregate classification.

Literature cited by the submitters: PubMed 10712197 (cited by Labcorp Genetics (formerly Invitae), Labcorp); PubMed 23913538 (cited by Labcorp Genetics (formerly Invitae), Labcorp).

NM_001042492.3(NF1):c.1884C>A (p.Tyr628Ter)

Gene: NF1 (neurofibromin 1; plus strand). Cytogenetic location: 17q11.2.
Variant type: single nucleotide variant.
Coding change: c.1884C>A on transcript NM_001042492.3 (MANE Select); coding-DNA position 1884, C replaced by A.
Protein change: p.Tyr628Ter; replaces tyrosine 628 with a stop codon.
Molecular consequence: nonsense.
Genome position (GRCh38, 1-based): chr17:31,225,133, C>A. VCF-style: chr17-31225133-C-A. GRCh37 (hg19) VCF-style: chr17-29552151-C-A.
Other names: c.1884C>A, p.Tyr628Ter (NM_000267.4); short protein forms Y628*.
Identifiers: ClinVar variation 457554 (VCV000457554.11), dbSNP rs555635097, ClinGen allele CA399005169.